The following is an entry in ClinVar:

NM_006623.4(PHGDH):c.636del (p.Thr213fs)

Gene: PHGDH (phosphoglycerate dehydrogenase; plus strand). Cytogenetic location: 1p12.
Variant type: Deletion.
Coding change: c.636del on transcript NM_006623.4 (MANE Select); coding-DNA position 636, one base deleted (C; older notation c.636delC).
Protein change: p.Thr213fs; shifts the reading frame from threonine 213.
Molecular consequence: frameshift variant.
Genome position (GRCh38, 1-based): chr1:119,734,759, C deleted; the last of 2 consecutive C bases (chr1:119,734,758-119,734,759); deleting either gives the same sequence. VCF-style (leftmost placement, unchanged base first): chr1-119734757-TC-T. GRCh37 (hg19) VCF-style: chr1-120277380-TC-T.
Other names: short protein forms T213fs.
Identifiers: ClinVar variation 4734222 (VCV004734222.1).

ClinVar aggregate classification (germline): Pathogenic (1 of 4 stars; one submission).

Conditions:
PHGDH deficiency. Identifiers: Orphanet 79351, MedGen C1866174, MONDO:0011152, OMIM 601815.

Submission:

Labcorp Genetics (formerly Invitae), Labcorp
Classification: Pathogenic for PHGDH deficiency. Last evaluated: 2025-12-27. Review status: criteria provided, single submitter. Criteria: Invitae Variant Classification Sherloc (09022015). Collection method: clinical testing. Allele origin: germline.
Comment: This sequence change creates a premature translational stop signal (p.Thr213Argfs*5) in the PHGDH gene. It is expected to result in an absent or disrupted protein product. Loss-of-function variants in PHGDH are known to be pathogenic (PMID: 14645240, 24836451). This variant is not present in population databases (gnomAD no frequency). This variant has not been reported in the literature in individuals affected with PHGDH-related conditions. For these reasons, this variant has been classified as Pathogenic.

Literature cited by the submitters: PubMed 14645240; PubMed 24836451.